The following is an entry in ClinVar:

NM_020376.4(PNPLA2):c.72C>T (p.Gly24=)

Genes: PNPLA2 (patatin like domain 2, triacylglycerol lipase; plus strand), LOC130005097 (ATAC-STARR-seq lymphoblastoid silent region 3036; plus strand). Cytogenetic location: 11p15.5.
Variant type: single nucleotide variant.
Coding change: c.72C>T on transcript NM_020376.4 (MANE Select); coding-DNA position 72, C replaced by T.
Protein change: p.Gly24=; no amino-acid change (glycine 24 retained).
Molecular consequence: synonymous variant.
Genome position (GRCh38, 1-based): chr11:819,790, C>T. VCF-style: chr11-819790-C-T. GRCh37 (hg19) VCF-style: chr11-819790-C-T.
Other names: p.Gly24=.
Identifiers: ClinVar variation 656573 (VCV000656573.10), dbSNP rs141027293, ClinGen allele CA5790899.

ClinVar aggregate classification (germline): Likely benign. Review status: criteria provided, multiple submitters, no conflicts (2 of 4 stars). 2 submissions from 2 submitters: Likely benign (2). Last evaluated 2025-12-17.

Conditions:
Neutral lipid storage myopathy (NLSDM). Also called: NEUTRAL LIPID STORAGE DISEASE WITHOUT ICHTHYOSIS. Identifiers: Orphanet 98908, MedGen C1853136, MONDO:0012545, OMIM 610717.

Allele frequency attached by ClinVar (database versions not stated): gnomAD 0.00023 and 0.00021; ExAC 0.00044; 1000 Genomes Project 30x 0.00062; gnomAD exomes 0.00006 and 0.00002; ESP Exome Variant Server 0.00032; TOPMed 0.00026; 1000 Genomes Project 0.00060.
gnomAD v4.1: 67 of 1,514,200 alleles (0.0044%); highest among the groups gnomAD compares: African/African-American, 0.091%; 1 homozygote.

Submissions (2):

Labcorp Genetics (formerly Invitae), Labcorp
Classification: Likely benign for Neutral lipid storage myopathy. Last evaluated: 2025-12-17. Review status: criteria provided, single submitter. Criteria: Invitae Variant Classification Sherloc (09022015). Collection method: clinical testing. Allele origin: germline.

Mayo Clinic Laboratories, Mayo Clinic
Classification: Likely benign. Last evaluated: 2025-08-14. Review status: criteria provided, single submitter. Criteria: ACMG Guidelines, 2015. Collection method: clinical testing. Allele origin: germline. Observed: 1 variant allele.
Comment: BP4, BP7